The following is an entry in ClinVar:

ClinVar aggregate classification (germline): Conflicting classifications of pathogenicity. Review status: criteria provided, conflicting classifications (1 of 4 stars). 5 submissions from 5 submitters: Uncertain significance (3); Likely benign (2). Last evaluated 2024-10-02.

Conditions:
Familial cancer of breast. Also called: BREAST CANCER, FAMILIAL; hereditary breast carcinoma; Hereditary breast cancer. Identifiers: Orphanet 227535, MedGen C0346153, MONDO:0016419, OMIM 114480. Disease mechanism: loss of function.
Hereditary cancer-predisposing syndrome. Also called: Neoplastic Syndromes, Hereditary; Tumor predisposition; Hereditary Cancer Syndrome; Hereditary neoplastic syndrome. Identifiers: Orphanet 140162, MedGen C0027672, MeSH D009386, MONDO:0015356.
Hereditary breast ovarian cancer syndrome. Also called: BRCA1- and BRCA2-Associated Hereditary Breast and Ovarian Cancer; Hereditary breast and ovarian cancer syndrome; Hereditary breast and ovarian cancer; Hereditary breast and ovarian cancer syndrome (HBOC); Breast and ovarian cancer; Hereditary breast and/or ovarian cancer syndrome. Identifiers: Orphanet 145, MedGen C0677776, MeSH D061325, MONDO:0003582. Disease mechanism: loss of function.

Submissions (5):

Labcorp Genetics (formerly Invitae), Labcorp
Classification: Uncertain significance for Hereditary breast ovarian cancer syndrome. Last evaluated: 2024-10-02. Review status: criteria provided, single submitter. Criteria: Invitae Variant Classification Sherloc (09022015). Collection method: clinical testing. Allele origin: germline.
Comment: This sequence change replaces lysine, which is basic and polar, with asparagine, which is neutral and polar, at codon 697 of the BRCA2 protein (p.Lys697Asn). This variant is not present in population databases (gnomAD no frequency). This variant has not been reported in the literature in individuals affected with BRCA2-related conditions. ClinVar contains an entry for this variant (Variation ID: 231568). Invitae Evidence Modeling of protein sequence and biophysical properties (such as structural, functional, and spatial information, amino acid conservation, physicochemical variation, residue mobility, and thermodynamic stability) indicates that this missense variant is not expected to disrupt BRCA2 protein function with a negative predictive value of 95%. In summary, the available evidence is currently insufficient to determine the role of this variant in disease. Therefore, it has been classified as a Variant of Uncertain Significance.

MGZ Medical Genetics Center
Classification: Likely benign for Familial cancer of breast. Last evaluated: 2024-02-09. Review status: criteria provided, single submitter. Criteria: CSpec BRCA1/2ACMG Rules Specifications V1.1.0. Collection method: clinical testing. Allele origin: germline. Affected: yes.
Comment: ACMG codes applied following ENIGMA VCEP rules: BP1_STR, PM2_SUP

University of Washington Department of Laboratory Medicine, University of Washington
Classification: Likely benign for Hereditary cancer-predisposing syndrome. Last evaluated: 2023-03-23. Review status: criteria provided, single submitter. Criteria: Dines et al. (Genet Med. 2020). Collection method: curation. Allele origin: germline.
Comment: Missense variant in a coldspot region where missense variants are very unlikely to be pathogenic (PMID:31911673).

BRCA2 exon 11 coldspot. Reclassification based on statistical prior probability.

Ambry Genetics
Classification: Uncertain significance for Hereditary cancer-predisposing syndrome. Last evaluated: 2023-01-17. Review status: criteria provided, single submitter. Criteria: Ambry Variant Classification Scheme 2023. Collection method: clinical testing. Allele origin: germline.
Comment: The p.K697N variant (also known as c.2091A>C), located in coding exon 10 of the BRCA2 gene, results from an A to C substitution at nucleotide position 2091. The lysine at codon 697 is replaced by asparagine, an amino acid with similar properties. This alteration was identified in an individual at an increased risk to carry a BRCA1 and/or BRCA2 alteration (Machackova E et al. Klin Onkol, 2019;32:51-71). This amino acid position is not well conserved in available vertebrate species. In addition, this alteration is predicted to be tolerated by in silico analysis. Since supporting evidence is limited at this time, the clinical significance of this alteration remains unclear.

Women's Health and Genetics/Laboratory Corporation of America, LabCorp
Classification: Uncertain significance. Last evaluated: 2021-11-05. Review status: criteria provided, single submitter. Criteria: LabCorp Variant Classification Summary - May 2015. Collection method: clinical testing. Allele origin: germline.
Comment: Variant summary: BRCA2 c.2091A>C (p.Lys697Asn) results in a non-conservative amino acid change in the encoded protein sequence. Three of five in-silico tools predict a benign effect of the variant on protein function. The variant was absent in 250696 control chromosomes (gnomAD). The available data on variant occurrences in the general population are insufficient to allow any conclusion about variant significance. c.2091A>C has been reported in the literature in at-least one individual affected with Hereditary Breast and/or Ovarian Cancer without evidence for causality (example: Machackova_2019). To our knowledge, no experimental evidence demonstrating an impact on protein function has been reported. One clinical diagnostic laboratory has submitted clinical-significance assessments for this variant to ClinVar after 2014 and classified the variant as uncertain significance. Based on the evidence outlined above, the variant was classified as uncertain significance.

Literature cited by the submitters: PubMed 31409081 (cited by Ambry Genetics and Women's Health and Genetics/Laboratory Corporation of America, LabCorp).

NM_000059.4(BRCA2):c.2091A>C (p.Lys697Asn)

Gene: BRCA2 (BRCA2 DNA repair associated; plus strand). Cytogenetic location: 13q13.1.
Variant type: single nucleotide variant.
Coding change: c.2091A>C on transcript NM_000059.4 (MANE Select); coding-DNA position 2091, A replaced by C.
Protein change: p.Lys697Asn; replaces lysine 697 with asparagine.
Molecular consequence: missense variant.
Genome position (GRCh38, 1-based): chr13:32,336,446, A>C. VCF-style: chr13-32336446-A-C. GRCh37 (hg19) VCF-style: chr13-32910583-A-C.
Other names: short protein forms K697N.
Identifiers: ClinVar variation 231568 (VCV000231568.15), dbSNP rs876659230, ClinGen allele CA10579522.